The following is an entry in ClinVar:

ClinVar aggregate classification (germline): Pathogenic (1 of 4 stars; one submission).

Submission:

Labcorp Genetics (formerly Invitae), Labcorp
Classification: Pathogenic. Last evaluated: 2021-04-02. Review status: criteria provided, single submitter. Criteria: Invitae Variant Classification Sherloc (09022015). Collection method: clinical testing. Allele origin: germline.
Comment: For these reasons, this variant has been classified as Pathogenic. This variant has not been reported in the literature in individuals with MAK-related conditions. This variant is not present in population databases (ExAC no frequency). This sequence change creates a premature translational stop signal (p.Glu454*) in the MAK gene. It is expected to result in an absent or disrupted protein product. Loss-of-function variants in MAK are known to be pathogenic (PMID: 21148103, 21825139, 24938718, 29781741).

Literature cited by the submitters: PubMed 21148103; PubMed 21825139; PubMed 24938718; PubMed 29781741.

NM_001242957.3(MAK):c.1360G>T (p.Glu454Ter)

Gene: MAK (male germ cell associated kinase; minus strand). Cytogenetic location: 6p24.2.
Variant type: single nucleotide variant.
Coding change: c.1360G>T on transcript NM_001242957.3 (MANE Select); coding-DNA position 1360, G replaced by T.
Protein change: p.Glu454Ter; replaces glutamic acid 454 with a stop codon.
Molecular consequence: nonsense. On other transcripts: non-coding transcript variant (2).
Genome position (GRCh38, 1-based): chr6:10,784,529, C>A on the plus strand (G>T on the coding strand, the complement: MAK is on the minus strand). VCF-style: chr6-10784529-C-A. GRCh37 (hg19) VCF-style: chr6-10784762-C-A.
Other names: c.1360G>T, p.Glu454Ter (NM_001242385.2, NM_005906.6); c.1258G>T, p.Glu420Ter (NM_001377262.1); short protein forms E420*, E454*.
Identifiers: ClinVar variation 1420072 (VCV001420072.6), dbSNP rs1037177330, ClinGen allele CA134107855.
Genomic context (GRCh38, chr6:10,784,529, plus strand): 5'-GAGCAGTTGACAATTCGGAATCAGATTTTAGGGAAGTAACAGCAGGTAAGCTCTTGTTTT[C>A]CCCTGTCGAGTGGTTGGAGCCTGAGGGTACTGGCTCTGGAAGCCTTGAAAGCCAATGAAA-3'